The following is an entry in ClinVar:

ClinVar aggregate classification (germline): Uncertain significance (1 of 4 stars; one submission).

gnomAD v4.1: 1 of 1,613,252 alleles (0.000062%); highest among the groups gnomAD compares: South Asian, 0.0011%; no homozygotes.

Submission:

CeGaT Center for Human Genetics Tuebingen
Classification: Uncertain significance. Last evaluated: 2026-03-01. Review status: criteria provided, single submitter. Criteria: CeGaT Center For Human Genetics Tuebingen Variant Classification Criteria Version 2. Collection method: clinical testing. Allele origin: germline. Affected: yes. Observed: 1 variant allele.
Comment: KCNMA1: PM2, PS2:Supporting

NM_001161352.2(KCNMA1):c.2726G>A (p.Arg909Gln)

Genes: KCNMA1 (potassium calcium-activated channel subfamily M alpha 1; minus strand), KCNMA1-AS1 (KCNMA1 antisense RNA 1; plus strand). Cytogenetic location: 10q22.3.
Variant type: single nucleotide variant.
Coding change: c.2726G>A on transcript NM_001161352.2 (MANE Select); coding-DNA position 2726, G replaced by A.
Protein change: p.Arg909Gln; replaces arginine 909 with glutamine.
Molecular consequence: missense variant.
Genome position (GRCh38, 1-based): chr10:76,944,949, C>T on the plus strand (G>A on the coding strand, the complement: KCNMA1 is on the minus strand). VCF-style: chr10-76944949-C-T. GRCh37 (hg19) VCF-style: chr10-78704707-C-T.
Other names: c.2675G>A, p.Arg892Gln (NM_001161353.2); c.2402G>A, p.Arg801Gln (NM_001271518.2); c.2561G>A, p.Arg854Gln (NM_001271519.2, NM_001322829.2, NM_001322836.2); c.2573G>A, p.Arg858Gln (NM_001322830.2); c.2552G>A, p.Arg851Gln (NM_001322832.2, NM_001410940.1, NM_002247.4); c.2564G>A, p.Arg855Gln (NM_001322835.2, NM_001322837.2, NM_001014797.3); c.2099G>A, p.Arg700Gln (NM_001322838.2); c.2684G>A, p.Arg895Gln (NM_001437422.1); and 1 more; short protein forms R700Q, R801Q, R851Q, R854Q, R855Q, R858Q, R880Q, R892Q.
Identifiers: ClinVar variation 4821571 (VCV004821571.4).